The following is an entry in ClinVar:

ClinVar aggregate classification (germline): Conflicting classifications of pathogenicity. Review status: criteria provided, conflicting classifications (1 of 4 stars). 2 submissions from 2 submitters: Uncertain significance (1); Likely benign (1). Last evaluated 2024-01-30.

Conditions:
Familial thoracic aortic aneurysm and aortic dissection (TAAD). Also called: Thoracic aortic aneurysms and dissections. Identifiers: Orphanet 91387, MedGen C4707243, MONDO:0019625.

Allele frequency attached by ClinVar (database versions not stated): gnomAD 0.00004; TOPMed 0.00004; ESP Exome Variant Server 0.00015; 1000 Genomes Project 0.00020; 1000 Genomes Project 30x 0.00031.
gnomAD v4.1: 16 of 1,614,080 alleles (0.00099%); highest among the groups gnomAD compares: African/African-American, 0.0093%; no homozygotes.

Submissions (2):

Blueprint Genetics
Classification: Likely benign. Last evaluated: 2024-01-30. Review status: criteria provided, single submitter. Criteria: ACMG Guidelines, 2015. Collection method: clinical testing. Allele origin: germline.

Color Diagnostics, LLC DBA Color Health
Classification: Uncertain significance for Familial thoracic aortic aneurysm and aortic dissection. Last evaluated: 2019-06-19. Review status: criteria provided, single submitter. Criteria: ACMG Guidelines, 2015. Collection method: clinical testing. Allele origin: germline.
Comment: This variant is located in the 3' untranslated region of the MYH11 gene. To our knowledge, functional assays have not been performed for this variant nor has this variant been reported in individuals affected with cardiovascular disorders in the literature. This variant has been identified in 8/282872 chromosomes in the general population by the Genome Aggregation Database (gnomAD). Available evidence is insufficient to determine the role of this variant in disease conclusively. Therefore, this variant is classified as a Variant of Uncertain Significance.

NM_002474.3(MYH11):c.5808C>T (p.Phe1936=)

Genes: MYH11 (myosin heavy chain 11; minus strand), NDE1 (nudE neurodevelopment protein 1; plus strand). Cytogenetic location: 16p13.11.
Variant type: single nucleotide variant.
Coding change: c.5808C>T on transcript NM_002474.3 (MANE Select); coding-DNA position 5808, C replaced by T.
Protein change: p.Phe1936=; no amino-acid change (phenylalanine 1936 retained).
Molecular consequence: synonymous variant. On other transcripts: 3 prime UTR variant (2), intron variant (2).
Genome position (GRCh38, 1-based): chr16:15,704,102, G>A on the plus strand (C>T on the coding strand, the complement: MYH11 is on the minus strand). VCF-style: chr16-15704102-G-A. GRCh37 (hg19) VCF-style: chr16-15797959-G-A.
Other names: c.*30C>T (NM_001040113.2, NM_022844.3); c.5829C>T, p.Phe1943= (NM_001040114.2); c.947+7242G>A (NM_001143979.2, NM_017668.3).
Identifiers: ClinVar variation 924729 (VCV000924729.4), dbSNP rs145505544, ClinGen allele CA7921061.